The following is an entry in ClinVar:

ClinVar aggregate classification (germline): Uncertain significance (1 of 4 stars; one submission).

Conditions:
PHIP-related disorder. Also called: PHIP-related condition; PHIP-related disorders.

Submission:

PreventionGenetics, part of Exact Sciences
Classification: Uncertain significance for PHIP-related condition. Last evaluated: 2025-01-23. Review status: criteria provided, single submitter. Criteria: ACMG Guidelines, 2015. Collection method: clinical testing. Allele origin: germline.
Comment: The PHIP c.2713_2715delGAA variant is predicted to result in an in-frame deletion (p.Glu905del). To our knowledge, this variant has not been reported in the literature or in a large population database (gnomAD), indicating this variant is rare. At this time, the clinical significance of this variant is uncertain due to the absence of conclusive functional and genetic evidence.

NM_017934.7(PHIP):c.2710GAA[1] (p.Glu905del)

Gene: PHIP (PHIP subunit of CUL4-Ring ligase complex; minus strand). Cytogenetic location: 6q14.1.
Variant type: Microsatellite.
Coding change: c.2710GAA[1] on transcript NM_017934.7 (MANE Select); one copy of the 3-base unit GAA starting at c.2710; the reference has two copies in a row; one copy, 3 bases deleted.
Protein change: p.Glu905del; deletes glutamic acid 905.
Molecular consequence: inframe deletion.
Genome position (GRCh38, 1-based): chr6:78,982,940-78,982,942, TTC deleted on the plus strand (GAA on the coding strand, the reverse complement: PHIP is on the minus strand); deleting any 3 consecutive bases within chr6:78,982,940-78,982,945 gives the same sequence; the position shown is the placement nearest the transcript's 3' end. VCF-style (leftmost placement, unchanged base first): chr6-78982939-TTTC-T. GRCh37 (hg19) VCF-style: chr6-79692656-TTTC-T.
Other names: short protein forms E905del.
Identifiers: ClinVar variation 4980078 (VCV004980078.1).
Genomic context (GRCh38, chr6:78,982,939, plus strand): 5'-ACCAAACCTTTTGTTTTCTTTCTTTGGGCTTCTTTTTCTTTGGTGATATTGGTCCATCTT[TTTC>T]TTCATTTACTTTTTTCTTTTCCTTTTTAATCTGTTTTTGCTTCTGTTTTTCAGATTCTTC-3'